The following is an entry in ClinVar:

ClinVar aggregate classification (germline): Conflicting classifications of pathogenicity. Review status: criteria provided, conflicting classifications (1 of 4 stars). 2 submissions from 2 submitters: Uncertain significance (1); Likely benign (1). Last evaluated 2025-06-23.

Conditions:
Pitt-Hopkins-like syndrome 2 (PTHSL2). Identifiers: Orphanet 221150, Orphanet 600663, MedGen C3280479, MONDO:0013690, OMIM 614325.

Allele frequency attached by ClinVar (database versions not stated): ExAC 0.00001; gnomAD 0.00001; TOPMed 0.00001.
gnomAD v4.1: 13 of 1,612,400 alleles (0.00081%); highest among the groups gnomAD compares: East Asian, 0.016%; no homozygotes.

Submissions (2):

Labcorp Genetics (formerly Invitae), Labcorp
Classification: Likely benign for Pitt-Hopkins-like syndrome 2. Last evaluated: 2025-06-23. Review status: criteria provided, single submitter. Criteria: Invitae Variant Classification Sherloc (09022015). Collection method: clinical testing. Allele origin: germline.

GeneDx
Classification: Uncertain significance. Last evaluated: 2022-08-17. Review status: criteria provided, single submitter. Criteria: GeneDx Variant Classification Process June 2021. Collection method: clinical testing. Allele origin: germline. Affected: yes.
Comment: Not observed at significant frequency in large population cohorts (gnomAD); In silico analysis supports that this variant does not alter splicing; Has not been previously published as pathogenic or benign to our knowledge

NM_001330078.2(NRXN1):c.2337G>A (p.Thr779=)

Gene: NRXN1 (neurexin 1; minus strand). Cytogenetic location: 2p16.3.
Variant type: single nucleotide variant.
Coding change: c.2337G>A on transcript NM_001330078.2 (MANE Select); coding-DNA position 2337, G replaced by A.
Protein change: p.Thr779=; no amino-acid change (threonine 779 retained).
Molecular consequence: synonymous variant.
Genome position (GRCh38, 1-based): chr2:50,531,237, C>T on the plus strand (G>A on the coding strand, the complement: NRXN1 is on the minus strand). VCF-style: chr2-50531237-C-T. GRCh37 (hg19) VCF-style: chr2-50758375-C-T.
Other names: c.2457G>A, p.Thr819= (NM_001135659.3); c.2313G>A, p.Thr771= (NM_001330077.2, NM_001330082.2, NM_001330095.2); c.2298G>A, p.Thr766= (NM_001330083.2, NM_001330084.2); c.2337G>A, p.Thr779= (NM_001330085.2, NM_001330086.2, NM_004801.6); c.2253G>A, p.Thr751= (NM_001330087.2, NM_001330096.2); c.2283G>A, p.Thr761= (NM_001330088.2); c.2334G>A, p.Thr778= (NM_001330093.2); c.2325G>A, p.Thr775= (NM_001330094.2).
Identifiers: ClinVar variation 794440 (VCV000794440.11), dbSNP rs202231291, ClinGen allele CA1654869.